The following is an entry in ClinVar:

NM_002109.6(HARS1):c.1358A>G (p.Gln453Arg)

Gene: HARS1 (histidyl-tRNA synthetase 1; minus strand). Cytogenetic location: 5q31.3.
Variant type: single nucleotide variant.
Coding change: c.1358A>G on transcript NM_002109.6 (MANE Select); coding-DNA position 1358, A replaced by G.
Protein change: p.Gln453Arg; replaces glutamine 453 with arginine.
Molecular consequence: missense variant.
Genome position (GRCh38, 1-based): chr5:140,674,779, T>C on the plus strand (A>G on the coding strand, the complement: HARS1 is on the minus strand). VCF-style: chr5-140674779-T-C. GRCh37 (hg19) VCF-style: chr5-140054364-T-C.
Other names: c.1238A>G, p.Gln413Arg (NM_001258040.3); c.1298A>G, p.Gln433Arg (NM_001258041.3); c.1178A>G, p.Gln393Arg (NM_001258042.3); c.1136A>G, p.Gln379Arg (NM_001289092.2); c.1016A>G, p.Gln339Arg (NM_001289093.2); c.1271A>G, p.Gln424Arg (NM_001289094.2); short protein forms Q339R, Q379R, Q393R, Q413R, Q424R, Q433R, Q453R.
Identifiers: ClinVar variation 1680290 (VCV001680290.8), dbSNP rs2149819642, ClinGen allele CA361247555.

ClinVar aggregate classification (germline): Uncertain significance (1 of 4 stars; one submission).

Conditions:
Usher syndrome type 3B. Also called: USHER SYNDROME, TYPE IIIB. Identifiers: MedGen C3281066, MONDO:0013788, OMIM 614504.

Submission:

Labcorp Genetics (formerly Invitae), Labcorp
Classification: Uncertain significance for Usher syndrome type 3B. Last evaluated: 2023-08-24. Review status: criteria provided, single submitter. Criteria: Invitae Variant Classification Sherloc (09022015). Collection method: clinical testing. Allele origin: germline.
Comment: This sequence change replaces glutamine, which is neutral and polar, with arginine, which is basic and polar, at codon 453 of the HARS protein (p.Gln453Arg). This variant is not present in population databases (gnomAD no frequency). This variant has not been reported in the literature in individuals affected with HARS-related conditions. ClinVar contains an entry for this variant (Variation ID: 1680290). Advanced modeling of protein sequence and biophysical properties (such as structural, functional, and spatial information, amino acid conservation, physicochemical variation, residue mobility, and thermodynamic stability) performed at Invitae indicates that this missense variant is not expected to disrupt HARS protein function. In summary, the available evidence is currently insufficient to determine the role of this variant in disease. Therefore, it has been classified as a Variant of Uncertain Significance.